The following is an entry in ClinVar:

ClinVar aggregate classification (germline): Uncertain significance (1 of 4 stars; one submission).

Conditions:
Werner syndrome (WRN). Identifiers: Orphanet 902, MedGen C0043119, MONDO:0010196, OMIM 277700.

gnomAD v4.1: 1 of 1,613,286 alleles (0.000062%); highest among the groups gnomAD compares: African/African-American, 0.0013%; no homozygotes.

Submission:

Labcorp Genetics (formerly Invitae), Labcorp
Classification: Uncertain significance for Werner syndrome. Last evaluated: 2021-07-01. Review status: criteria provided, single submitter. Criteria: Invitae Variant Classification Sherloc (09022015). Collection method: clinical testing. Allele origin: germline.
Comment: In summary, the available evidence is currently insufficient to determine the role of this variant in disease. Therefore, it has been classified as a Variant of Uncertain Significance. Nucleotide substitutions within the consensus splice site are a relatively common cause of aberrant splicing (PMID: 17576681, 9536098). Algorithms developed to predict the effect of sequence changes on RNA splicing suggest that this variant may disrupt the consensus splice site. Algorithms developed to predict the effect of missense changes on protein structure and function are either unavailable or do not agree on the potential impact of this missense change (SIFT: "Not Available"; PolyPhen-2: "Possibly Damaging"; Align-GVGD: "Not Available"). This variant has not been reported in the literature in individuals affected with WRN-related conditions. This variant is not present in population databases (ExAC no frequency). This sequence change replaces lysine with asparagine at codon 32 of the WRN protein (p.Lys32Asn). The lysine residue is moderately conserved and there is a moderate physicochemical difference between lysine and asparagine. This variant also falls at the last nucleotide of exon 2, which is part of the consensus splice site for this exon.

Literature cited by the submitters: PubMed 17576681; PubMed 9536098.

NM_000553.6(WRN):c.96G>C (p.Lys32Asn)

Gene: WRN (WRN RecQ like helicase; plus strand). Cytogenetic location: 8p12.
Variant type: single nucleotide variant.
Coding change: c.96G>C on transcript NM_000553.6 (MANE Select); coding-DNA position 96, G replaced by C.
Protein change: p.Lys32Asn; replaces lysine 32 with asparagine.
Molecular consequence: missense variant.
Genome position (GRCh38, 1-based): chr8:31,058,543, G>C. VCF-style: chr8-31058543-G-C. GRCh37 (hg19) VCF-style: chr8-30916059-G-C.
Other names: short protein forms K32N.
Identifiers: ClinVar variation 1466983 (VCV001466983.6), dbSNP rs2130001536, ClinGen allele CA370912299.